The following is an entry in ClinVar:

ClinVar aggregate classification (germline): Uncertain significance (1 of 4 stars; one submission).

gnomAD v4.1: 2 of 1,614,094 alleles (0.00012%); highest among the groups gnomAD compares: Admixed American, 0.0017%; no homozygotes.

Submission:

Ambry Genetics
Classification: Uncertain significance. Last evaluated: 2024-03-09. Review status: criteria provided, single submitter. Criteria: Ambry Variant Classification Scheme 2023. Collection method: clinical testing. Allele origin: germline.
Comment: The p.P363L variant (also known as c.1088C>T), located in coding exon 10 of the BUB1 gene, results from a C to T substitution at nucleotide position 1088. The proline at codon 363 is replaced by leucine, an amino acid with similar properties. This amino acid position is conserved. In addition, this alteration is predicted to be tolerated by in silico analysis. Based on the available evidence, the clinical significance of this alteration remains unclear.

NM_004336.5(BUB1):c.1088C>T (p.Pro363Leu)

Gene: BUB1 (BUB1 mitotic checkpoint serine/threonine kinase; minus strand). Cytogenetic location: 2q13.
Variant type: single nucleotide variant.
Coding change: c.1088C>T on transcript NM_004336.5 (MANE Select); coding-DNA position 1088, C replaced by T.
Protein change: p.Pro363Leu; replaces proline 363 with leucine.
Molecular consequence: missense variant.
Genome position (GRCh38, 1-based): chr2:110,661,711, G>A on the plus strand (C>T on the coding strand, the complement: BUB1 is on the minus strand). VCF-style: chr2-110661711-G-A. GRCh37 (hg19) VCF-style: chr2-111419288-G-A.
Other names: c.1028C>T, p.Pro343Leu (NM_001278616.2); c.1088C>T, p.Pro363Leu (NM_001278617.2); short protein forms P343L, P363L.
Identifiers: ClinVar variation 3223985 (VCV003223985.1), dbSNP rs927018399, ClinGen allele CA348214437.